The following is an entry in ClinVar:

NM_001035.3(RYR2):c.4975C>T (p.Arg1659Trp)

Gene: RYR2 (ryanodine receptor 2; plus strand). Cytogenetic location: 1q43.
Variant type: single nucleotide variant.
Coding change: c.4975C>T on transcript NM_001035.3 (MANE Select); coding-DNA position 4975, C replaced by T.
Protein change: p.Arg1659Trp; replaces arginine 1659 with tryptophan.
Molecular consequence: missense variant.
Genome position (GRCh38, 1-based): chr1:237,614,103, C>T. VCF-style: chr1-237614103-C-T. GRCh37 (hg19) VCF-style: chr1-237777403-C-T.
Other names: short protein forms R1659W.
Identifiers: ClinVar variation 1331926 (VCV001331926.3), dbSNP rs1483097607, ClinGen allele CA345403744.

ClinVar aggregate classification (germline): Uncertain significance. Review status: criteria provided, multiple submitters, no conflicts (2 of 4 stars). 2 submissions from 2 submitters: Uncertain significance (2). Last evaluated 2025-05-26.

Conditions:
Cardiomyopathy (CMYO). Also called: Cardiomyopathies. Identifiers: Orphanet 167848, MedGen C0878544, MONDO:0004994, HP:0001638. Inheritance: Various modes of inheritance.
Catecholaminergic polymorphic ventricular tachycardia 1. Also called: VENTRICULAR TACHYCARDIA, CATECHOLAMINERGIC POLYMORPHIC, 1, WITH OR WITHOUT ATRIAL DYSFUNCTION AND/OR DILATED CARDIOMYOPATHY; VENTRICULAR TACHYCARDIA, STRESS-INDUCED POLYMORPHIC 1; RYR2-Related Catecholaminergic Polymorphic Ventricular Tachycardia. Identifiers: Orphanet 3286, MedGen C1631597, MONDO:0011484, OMIM 604772.

Allele frequency attached by ClinVar (database versions not stated): TOPMed below 0.00001; gnomAD 0.00001.
gnomAD v4.1: 5 of 1,613,898 alleles (0.00031%); highest among the groups gnomAD compares: South Asian, 0.0011%; no homozygotes.

Submissions (2):

Labcorp Genetics (formerly Invitae), Labcorp
Classification: Uncertain significance for Catecholaminergic polymorphic ventricular tachycardia 1. Last evaluated: 2025-05-26. Review status: criteria provided, single submitter. Criteria: Invitae Variant Classification Sherloc (09022015). Collection method: clinical testing. Allele origin: germline.
Comment: This sequence change replaces arginine, which is basic and polar, with tryptophan, which is neutral and slightly polar, at codon 1659 of the RYR2 protein (p.Arg1659Trp). This variant is not present in population databases (gnomAD no frequency). This variant has not been reported in the literature in individuals affected with RYR2-related conditions. ClinVar contains an entry for this variant (Variation ID: 1331926). Invitae Evidence Modeling of protein sequence and biophysical properties (such as structural, functional, and spatial information, amino acid conservation, physicochemical variation, residue mobility, and thermodynamic stability) has been performed for this missense variant. However, the output from this modeling did not meet the statistical confidence thresholds required to predict the impact of this variant on RYR2 protein function. In summary, the available evidence is currently insufficient to determine the role of this variant in disease. Therefore, it has been classified as a Variant of Uncertain Significance.

Color Diagnostics, LLC DBA Color Health
Classification: Uncertain significance for Cardiomyopathy. Last evaluated: 2021-03-03. Review status: criteria provided, single submitter. Criteria: ACMG Guidelines, 2015. Collection method: clinical testing. Allele origin: germline.
Comment: This missense variant replaces arginine with tryptophan at codon 1659 of the RYR2 protein. Computational prediction suggests that this variant may have deleterious impact on protein structure and function (internally defined REVEL score threshold >= 0.7, PMID: 27666373). To our knowledge, functional studies have not been reported for this variant. This variant has not been reported in individuals affected with cardiovascular disorders in the literature. This variant has not been identified in the general population by the Genome Aggregation Database (gnomAD). The available evidence is insufficient to determine the role of this variant in disease conclusively. Therefore, this variant is classified as a Variant of Uncertain Significance.